The following is an entry in ClinVar:

NM_000807.4(GABRA2):c.910C>T (p.Leu304Phe)

Gene: GABRA2 (gamma-aminobutyric acid type A receptor subunit alpha2; minus strand). Cytogenetic location: 4p12.
Variant type: single nucleotide variant.
Coding change: c.910C>T on transcript NM_000807.4 (MANE Select); coding-DNA position 910, C replaced by T.
Protein change: p.Leu304Phe; replaces leucine 304 with phenylalanine.
Molecular consequence: missense variant.
Genome position (GRCh38, 1-based): chr4:46,262,075, G>A on the plus strand (C>T on the coding strand, the complement: GABRA2 is on the minus strand). VCF-style: chr4-46262075-G-A. GRCh37 (hg19) VCF-style: chr4-46264092-G-A.
Other names: c.910C>T, p.Leu304Phe (NM_001114175.3, NM_001330690.2, NM_001377144.1 and 8 more transcripts); c.745C>T, p.Leu249Phe (NM_001286827.3, NM_001377152.1, NM_001377153.1 and 1 more transcripts); short protein forms L249F, L304F.
Identifiers: ClinVar variation 4721124 (VCV004721124.1).

ClinVar aggregate classification (germline): Uncertain significance (1 of 4 stars; one submission).

Submission:

Labcorp Genetics (formerly Invitae), Labcorp
Classification: Uncertain significance. Last evaluated: 2025-10-15. Review status: criteria provided, single submitter. Criteria: Invitae Variant Classification Sherloc (09022015). Collection method: clinical testing. Allele origin: germline.
Comment: This sequence change replaces leucine, which is neutral and non-polar, with phenylalanine, which is neutral and non-polar, at codon 304 of the GABRA2 protein (p.Leu304Phe). This variant is not present in population databases (gnomAD no frequency). This variant has not been reported in the literature in individuals affected with GABRA2-related conditions. An algorithm developed to predict the effect of missense changes on protein structure and function (PolyPhen-2) suggests that this variant is likely to be disruptive. In summary, the available evidence is currently insufficient to determine the role of this variant in disease. Therefore, it has been classified as a Variant of Uncertain Significance.